The following is an entry in ClinVar:

ClinVar aggregate classification (germline): Uncertain significance. Review status: criteria provided, multiple submitters, no conflicts (2 of 4 stars). 3 submissions from 3 submitters: Uncertain significance (3). Last evaluated 2024-06-01.

Conditions:
Nephronophthisis 16 (NPHP16). Identifiers: Orphanet 655, MedGen C3809320, MONDO:0014158, OMIM 615382.

Allele frequency attached by ClinVar (database versions not stated): 1000 Genomes Project 30x 0.00016.
gnomAD v4.1: 204 of 1,583,298 alleles (0.013%); highest among the groups gnomAD compares: South Asian, 0.078%; no homozygotes.

Submissions (3):

CeGaT Center for Human Genetics Tuebingen
Classification: Uncertain significance. Last evaluated: 2024-06-01. Review status: criteria provided, single submitter. Criteria: CeGaT Center For Human Genetics Tuebingen Variant Classification Criteria Version 2. Collection method: clinical testing. Allele origin: germline. Affected: yes. Observed: 1 variant allele.
Comment: ANKS6: PM2

Genetic Services Laboratory, University of Chicago
Classification: Uncertain significance. Last evaluated: 2023-02-28. Review status: criteria provided, single submitter. Criteria: ACMG Guidelines, 2015. Collection method: clinical testing. Allele origin: germline. Affected: no.
Comment: DNA sequence analysis of the ANKS6 gene demonstrated a sequence change, c.1690C>G, in exon 9 that results in an amino acid change, p.Pro564Ala. This sequence change has been described in the gnomAD database with a frequency of 0.055% in the South Asian subpopulation (dbSNP rs190075616). The p.Pro564Ala change affects a highly conserved amino acid residue located in a domain of the ANKS6 protein that is not known to be functional. In-silico pathogenicity prediction tools (SIFT, PolyPhen2, Align GVGD, REVEL) provide contradictory results for the p.Pro564Ala substitution. This sequence change does not appear to have been previously described in individuals with ANKS6-related disorders. Due to insufficient evidences and the lack of functional studies, the clinical significance of the p.Pro564Ala change remains unknown at this time.

Labcorp Genetics (formerly Invitae), Labcorp
Classification: Uncertain significance for Nephronophthisis 16. Last evaluated: 2022-10-01. Review status: criteria provided, single submitter. Criteria: Invitae Variant Classification Sherloc (09022015). Collection method: clinical testing. Allele origin: germline.
Comment: In summary, the available evidence is currently insufficient to determine the role of this variant in disease. Therefore, it has been classified as a Variant of Uncertain Significance. Algorithms developed to predict the effect of sequence changes on RNA splicing suggest that this variant may disrupt the consensus splice site. Algorithms developed to predict the effect of missense changes on protein structure and function are either unavailable or do not agree on the potential impact of this missense change (SIFT: "Deleterious"; PolyPhen-2: "Benign"; Align-GVGD: "Class C0"). This variant has not been reported in the literature in individuals affected with ANKS6-related conditions. This variant is present in population databases (rs190075616, gnomAD 0.05%). This sequence change replaces proline, which is neutral and non-polar, with alanine, which is neutral and non-polar, at codon 564 of the ANKS6 protein (p.Pro564Ala).

NM_173551.5(ANKS6):c.1690C>G (p.Pro564Ala)

Gene: ANKS6 (ankyrin repeat and sterile alpha motif domain containing 6; minus strand). Cytogenetic location: 9q22.33.
Variant type: single nucleotide variant.
Coding change: c.1690C>G on transcript NM_173551.5 (MANE Select); coding-DNA position 1690, C replaced by G.
Protein change: p.Pro564Ala; replaces proline 564 with alanine.
Molecular consequence: missense variant.
Genome position (GRCh38, 1-based): chr9:98,774,008, G>C on the plus strand (C>G on the coding strand, the complement: ANKS6 is on the minus strand). VCF-style: chr9-98774008-G-C. GRCh37 (hg19) VCF-style: chr9-101536290-G-C.
Other names: short protein forms P564A.
Identifiers: ClinVar variation 2066586 (VCV002066586.21), dbSNP rs190075616, ClinGen allele CA5153390.
Genomic context (GRCh38, chr9:98,774,008, plus strand): 5'-CTGCCTTCCCGTTGTGACGCGTCCGGGACCGATCAGAGCTCCACAGCTCAAAACTGGAAG[G>C]GGGTAGGAATGGGGGGATGACTGCTTTCAGCTTGTCACTCGGGAGTCTGGTGAGGGGAGC-3'
Protein context (NP_775822.3, residues 554-574): LKAVIPPFLP[Pro564Ala]SSFELWSSDR